The following is an entry in ClinVar:

ClinVar aggregate classification (germline): Benign/Likely benign. Review status: criteria provided, multiple submitters, no conflicts (2 of 4 stars). 4 submissions from 4 submitters: Benign (1); Likely benign (3). Last evaluated 2026-01-26.

Conditions:
LRP5-related disorder. Also called: LRP5-related condition.
Inborn genetic diseases. Identifiers: MedGen C0950123, MeSH D030342.

Allele frequency attached by ClinVar (database versions not stated): gnomAD exomes 0.00008 and 0.00045; gnomAD 0.00014 and 0.00015; TOPMed 0.00020; ExAC 0.00045; 1000 Genomes Project 0.00060; 1000 Genomes Project 30x 0.00062.
gnomAD v4.1: 147 of 1,613,190 alleles (0.0091%); highest among the groups gnomAD compares: East Asian, 0.27%; no homozygotes.

Submissions (4):

Labcorp Genetics (formerly Invitae), Labcorp
Classification: Benign. Last evaluated: 2026-01-26. Review status: criteria provided, single submitter. Criteria: Invitae Variant Classification Sherloc (09022015). Collection method: clinical testing. Allele origin: germline.

PreventionGenetics, part of Exact Sciences
Classification: Likely benign for LRP5-related condition. Last evaluated: 2025-10-22. Review status: criteria provided, single submitter. Criteria: ACMG Guidelines, 2015. Collection method: clinical testing. Allele origin: germline.
Comment: This variant is classified as likely benign based on ACMG/AMP sequence variant interpretation guidelines (Richards et al. 2015 PMID: 25741868, with internal and published modifications).

Blueprint Genetics
Classification: Likely benign. Last evaluated: 2024-10-03. Review status: criteria provided, single submitter. Criteria: ACMG Guidelines, 2015. Collection method: clinical testing. Allele origin: germline.

Ambry Genetics
Classification: Likely benign for Inborn genetic diseases. Last evaluated: 2024-02-28. Review status: criteria provided, single submitter. Criteria: Ambry Variant Classification Scheme 2023. Collection method: clinical testing. Allele origin: germline.

NM_002335.4(LRP5):c.1800C>T (p.Val600=)

Gene: LRP5 (LDL receptor related protein 5; plus strand). Cytogenetic location: 11q13.2.
Variant type: single nucleotide variant.
Coding change: c.1800C>T on transcript NM_002335.4 (MANE Select); coding-DNA position 1800, C replaced by T.
Protein change: p.Val600=; no amino-acid change (valine 600 retained).
Molecular consequence: synonymous variant. On other transcripts: 5 prime UTR variant (1).
Genome position (GRCh38, 1-based): chr11:68,403,698, C>T. VCF-style: chr11-68403698-C-T. GRCh37 (hg19) VCF-style: chr11-68171166-C-T.
Other names: c.-138C>T (NM_001291902.2); c.1800C>T (NM_002335.2).
Identifiers: ClinVar variation 797083 (VCV000797083.14), dbSNP rs200800275, ClinGen allele CA6149428.